The following is an entry in ClinVar:

ClinVar aggregate classification (germline): Uncertain significance. Review status: criteria provided, multiple submitters, no conflicts (2 of 4 stars). 2 submissions from 2 submitters: Uncertain significance (2). Last evaluated 2026-04-19.

gnomAD v4.1: 6 of 1,614,082 alleles (0.00037%); highest among the groups gnomAD compares: Non-Finnish European, 0.00051%; no homozygotes.

Submissions (2):

GeneDx
Classification: Uncertain significance. Last evaluated: 2026-04-19. Review status: criteria provided, single submitter. Criteria: GeneDx Variant Classification Process June 2021. Collection method: clinical testing. Allele origin: germline.
Comment: Not observed at significant frequency in large population cohorts (gnomAD); In silico analysis supports a deleterious effect on splicing; In silico analysis suggests that this missense variant does not alter protein structure/function; Has not been previously published as pathogenic or benign to our knowledge; Also known as p.(E849V)

Mayo Clinic Laboratories, Mayo Clinic
Classification: Uncertain significance. Last evaluated: 2023-08-25. Review status: criteria provided, single submitter. Criteria: ACMG Guidelines, 2015. Collection method: clinical testing. Allele origin: germline. Observed: 1 variant allele.
Comment: PM2

NM_020778.5(ALPK3):c.1940A>T (p.Glu647Val)

Gene: ALPK3 (alpha kinase 3; plus strand). Cytogenetic location: 15q25.3.
Variant type: single nucleotide variant.
Coding change: c.1940A>T on transcript NM_020778.5 (MANE Select); coding-DNA position 1940, A replaced by T.
Protein change: p.Glu647Val; replaces glutamic acid 647 with valine.
Molecular consequence: missense variant.
Genome position (GRCh38, 1-based): chr15:84,856,678, A>T. VCF-style: chr15-84856678-A-T. GRCh37 (hg19) VCF-style: chr15-85399909-A-T.
Other names: p.Glu849Val; short protein forms E647V.
Identifiers: ClinVar variation 3380313 (VCV003380313.3).
Genomic context (GRCh38, chr15:84,856,678, plus strand): 5'-CACAGACAGCCCAGAGGACACGTGCAGATAGGAAGACGCAGGTGGATGCTGGGACACAAG[A>T]AAGCAAGAGGCCACAGTCAGACAGGAGTGCACAGAAGGGCATGATGACACAGGGAAGGGC-3'
Protein context (NP_065829.4, residues 637-657): RKTQVDAGTQ[Glu647Val]SKRPQSDRSA